The following is an entry in ClinVar:

ClinVar aggregate classification (germline): Benign/Likely benign. Review status: criteria provided, multiple submitters, no conflicts (2 of 4 stars). 8 submissions from 8 submitters: Benign (5); Likely benign (1). 2 of the submissions do not count toward it. Last evaluated 2026-01-19.

Conditions:
Autosomal dominant nonsyndromic hearing loss 2B. Also called: DEAFNESS, AUTOSOMAL DOMINANT, WITH OR WITHOUT PERIPHERAL NEUROPATHY. Identifiers: Orphanet 90635, MedGen C2675236, MONDO:0012976, OMIM 612644.
Erythrokeratodermia variabilis et progressiva 1 (EKVP1). Also called: ERYTHROKERATODERMIA FIGURATA, CONGENITAL FAMILIAL, IN PLAQUES; ERYTHROKERATODERMIA VARIABILIS WITH ERYTHEMA GYRATUM REPENS; ERYTHROKERATODERMIA, PROGRESSIVE SYMMETRIC. Identifiers: Orphanet 317, MedGen C4551486, MONDO:0033010, OMIM 133200.
Autosomal recessive nonsyndromic hearing loss 1A (DFNB1A). Also called: GJB2-Related Autosomal Recessive Nonsyndromic Hearing Loss; GJB6-Related DFNB 1 Nonsyndromic Hearing Loss and Deafness; Deafness, autosomal recessive 1A; Connexin 26 deafness; Deafness nonsyndromic, Connexin 26 linked; Nonsyndromic Hearing Loss and Deafness, DFNB1. Identifiers: Orphanet 90636, MedGen C2673759, MONDO:0009076, OMIM 220290.

Allele frequency attached by ClinVar (database versions not stated): gnomAD exomes 0.00056 and 0.00155; ExAC 0.00166; gnomAD 0.00501 and 0.00526; 1000 Genomes Project 0.00519; TOPMed 0.00581; 1000 Genomes Project 30x 0.00609; ESP Exome Variant Server 0.00715.

Submissions (8):

Labcorp Genetics (formerly Invitae), Labcorp
Classification: Benign. Last evaluated: 2026-01-19. Review status: criteria provided, single submitter. Criteria: Invitae Variant Classification Sherloc (09022015). Collection method: clinical testing. Allele origin: germline.

Fulgent Genetics
Classification: Likely benign for Erythrokeratodermia variabilis et progressiva 1; Autosomal recessive nonsyndromic hearing loss 1A; Autosomal dominant nonsyndromic hearing loss 2B. Last evaluated: 2021-07-30. Review status: criteria provided, single submitter. Criteria: ACMG Guidelines, 2015. Collection method: clinical testing. Allele origin: unknown.

GeneDx
Classification: Benign. Last evaluated: 2019-09-23. Review status: criteria provided, single submitter. Criteria: GeneDx Variant Classification Process June 2021. Collection method: clinical testing. Allele origin: germline. Affected: yes.
Comment: This variant is associated with the following publications: (PMID: 15131355)

Illumina Laboratory Services, Illumina
Classification: Benign for Erythrokeratodermia variabilis et progressiva 1. Last evaluated: 2018-01-13. Review status: criteria provided, single submitter. Criteria: ICSL Variant Classification Criteria 13 December 2019. Collection method: clinical testing. Allele origin: germline.
Comment: This variant was observed in the ICSL laboratory as part of a predisposition screen in an ostensibly healthy population. It had not been previously curated by ICSL or reported in the Human Gene Mutation Database (HGMD: prior to June 1st, 2018), and was therefore a candidate for classification through an automated scoring system. Utilizing variant allele frequency, disease prevalence and penetrance estimates, and inheritance mode, an automated score was calculated to assess if this variant is too frequent to cause the disease. Based on the score and internal cut-off values, a variant classified as benign is not then subjected to further curation. The score for this variant resulted in a classification of benign for this disease.

Laboratory for Molecular Medicine, Mass General Brigham Personalized Medicine
Classification: Benign. Last evaluated: 2012-05-07. Review status: criteria provided, single submitter. Criteria: LMM Criteria. Collection method: clinical testing. Allele origin: germline. Observed: 1 variant allele.
Comment: "Gly193Gly in Exon 02 of GJB3: This variant is not expected to have clinical sig nificance because it does not alter an amino acid residue, is not located within the splice consensus sequence, and has been identified in 2.0% (73/3738) of Afr ican American chromosomes from a broad population by the NHLBI Exome Sequencing Project (dbSNP rs61744512)."

Breakthrough Genomics
Classification: Benign. Review status: criteria provided, single submitter. Criteria: ACMG Guidelines, 2015. Collection method: not provided. Allele origin: germline. Inheritance: Autosomal dominant inheritance. Affected: yes.

Clinical Genetics DNA and cytogenetics Diagnostics Lab, Erasmus MC, Erasmus Medical Center
Classification: Benign. Review status: no assertion criteria provided. Collection method: clinical testing. Allele origin: germline. Affected: yes. Study: VKGL Data-share Consensus. Not counted in ClinVar's aggregate classification.

Clinical Genetics, Academic Medical Center
Classification: Benign. Review status: no assertion criteria provided. Collection method: clinical testing. Allele origin: germline. Affected: yes. Study: VKGL Data-share Consensus. Not counted in ClinVar's aggregate classification.

NM_024009.3(GJB3):c.579C>T (p.Gly193=)

Gene: GJB3 (gap junction protein beta 3; plus strand). Cytogenetic location: 1p34.3.
Variant type: single nucleotide variant.
Coding change: c.579C>T on transcript NM_024009.3 (MANE Select); coding-DNA position 579, C replaced by T.
Protein change: p.Gly193=; no amino-acid change (glycine 193 retained).
Molecular consequence: synonymous variant.
Genome position (GRCh38, 1-based): chr1:34,785,341, C>T. VCF-style: chr1-34785341-C-T. GRCh37 (hg19) VCF-style: chr1-35250942-C-T.
Other names: c.579C>T, p.Gly193= (NM_001005752.2).
Identifiers: ClinVar variation 46085 (VCV000046085.23), dbSNP rs61744512, ClinGen allele CA137659.